The following is an entry in ClinVar:

ClinVar aggregate classification (germline): Uncertain significance (1 of 4 stars; one submission).

Conditions:
Inborn genetic diseases. Identifiers: MedGen C0950123, MeSH D030342.

Allele frequency attached by ClinVar (database versions not stated): gnomAD exomes below 0.00001.
gnomAD v4.1: 4 of 1,613,996 alleles (0.00025%); highest among the groups gnomAD compares: East Asian, 0.0022%; no homozygotes.

Submission:

Ambry Genetics
Classification: Uncertain significance for Inborn genetic diseases. Last evaluated: 2019-10-15. Review status: criteria provided, single submitter. Criteria: Ambry Variant Classification Scheme 2023. Collection method: clinical testing. Allele origin: germline.
Comment: The p.R1253H variant (also known as c.3758G>A), located in coding exon 16 of the DYNC1H1 gene, results from a G to A substitution at nucleotide position 3758. The arginine at codon 1253 is replaced by histidine, an amino acid with highly similar properties. This amino acid position is highly conserved in available vertebrate species. In addition, the in silico prediction for this alteration is inconclusive. Since supporting evidence is limited at this time, the clinical significance of this alteration remains unclear.

NM_001376.5(DYNC1H1):c.3758G>A (p.Arg1253His)

Gene: DYNC1H1 (dynein cytoplasmic 1 heavy chain 1; plus strand). Cytogenetic location: 14q32.31.
Variant type: single nucleotide variant.
Coding change: c.3758G>A on transcript NM_001376.5 (MANE Select); coding-DNA position 3758, G replaced by A.
Protein change: p.Arg1253His; replaces arginine 1253 with histidine.
Molecular consequence: missense variant.
Genome position (GRCh38, 1-based): chr14:101,997,228, G>A. VCF-style: chr14-101997228-G-A. GRCh37 (hg19) VCF-style: chr14-102463565-G-A.
Other names: short protein forms R1253H.
Identifiers: ClinVar variation 1734617 (VCV001734617.2), dbSNP rs2048072649, ClinGen allele CA391036721.
Genomic context (GRCh38, chr14:101,997,228, plus strand): 5'-AGCAGCAGGTGGCAAACCTGCAAATGAAGATTGTCCAGGAGGATCGGGCCGTGGAAAGCC[G>A]CACCACCGACCTGCTGACTGACTGGGAGAAGACCAAGCCTGTCACGGTGAGTCCCGCCAG-3'
Protein context (NP_001367.2, residues 1243-1263): IVQEDRAVES[Arg1253His]TTDLLTDWEK